The following is an entry in ClinVar:

NM_000548.5(TSC2):c.3114C>T (p.Phe1038=)

Gene: TSC2 (TSC complex subunit 2; plus strand). Cytogenetic location: 16p13.3.
Variant type: single nucleotide variant.
Coding change: c.3114C>T on transcript NM_000548.5 (MANE Select); coding-DNA position 3114, C replaced by T.
Protein change: p.Phe1038=; no amino-acid change (phenylalanine 1038 retained).
Molecular consequence: synonymous variant.
Genome position (GRCh38, 1-based): chr16:2,079,179, C>T. VCF-style: chr16-2079179-C-T. GRCh37 (hg19) VCF-style: chr16-2129180-C-T.
Other names: c.2982C>T, p.Phe994= (NM_001077183.3, NM_001370404.1); c.3114C>T, p.Phe1038= (NM_001114382.3); c.2874C>T, p.Phe958= (NM_001318827.2); c.2838C>T, p.Phe946= (NM_001318829.2); c.2382C>T, p.Phe794= (NM_001318831.2); c.3015C>T, p.Phe1005= (NM_001318832.2); c.2985C>T, p.Phe995= (NM_001363528.2, NM_001370405.1, NM_021055.3).
Identifiers: ClinVar variation 1151424 (VCV001151424.12), dbSNP rs1567497089, ClinGen allele CA493042784.

ClinVar aggregate classification (germline): Benign/Likely benign. Review status: criteria provided, multiple submitters, no conflicts (2 of 4 stars). 4 submissions from 4 submitters: Benign (1); Likely benign (3). Last evaluated 2025-08-17.

Conditions:
Hereditary cancer-predisposing syndrome. Also called: Hereditary Cancer Syndrome; Hereditary neoplastic syndrome; Neoplastic Syndromes, Hereditary; Tumor predisposition. Identifiers: Orphanet 140162, MedGen C0027672, MeSH D009386, MONDO:0015356.
Tuberous sclerosis syndrome (TSC). Also called: Tuberous Sclerosis Complex; Tuberous sclerosis. Identifiers: Orphanet 805, MedGen C0041341, MONDO:0001734.
Tuberous sclerosis 2 (TSC2). Identifiers: Orphanet 805, MedGen C1860707, MONDO:0013199, OMIM 613254.

Allele frequency attached by ClinVar (database versions not stated): gnomAD exomes below 0.00001.
gnomAD v4.1: 1 of 1,612,934 alleles (0.000062%); highest among the groups gnomAD compares: Non-Finnish European, 0.000085%; no homozygotes.

Submissions (4):

Labcorp Genetics (formerly Invitae), Labcorp
Classification: Likely benign for Tuberous sclerosis 2. Last evaluated: 2025-08-17. Review status: criteria provided, single submitter. Criteria: Invitae Variant Classification Sherloc (09022015). Collection method: clinical testing. Allele origin: germline.

Color Diagnostics, LLC DBA Color Health
Classification: Likely benign for Tuberous sclerosis syndrome. Last evaluated: 2025-07-07. Review status: criteria provided, single submitter. Criteria: ACMG Guidelines, 2015. Collection method: clinical testing. Allele origin: germline.

Myriad Genetics, Inc.
Classification: Benign for Tuberous sclerosis 2. Last evaluated: 2025-05-27. Review status: criteria provided, single submitter. Criteria: Myriad Autosomal Dominant, Autosomal Recessive and X-Linked Classification Criteria (2023). Collection method: clinical testing. Allele origin: unknown.
Comment: This variant is considered benign. This variant is a silent/synonymous amino acid change and it is not expected to impact splicing.

Ambry Genetics
Classification: Likely benign for Hereditary cancer-predisposing syndrome. Last evaluated: 2020-07-01. Review status: criteria provided, single submitter. Criteria: Ambry Variant Classification Scheme 2023. Collection method: clinical testing. Allele origin: germline.